The following is an entry in ClinVar:

NM_014804.3(KIAA0753):c.379C>T (p.Gln127Ter)

Gene: KIAA0753 (KIAA0753; minus strand). Cytogenetic location: 17p13.1.
Variant type: single nucleotide variant.
Coding change: c.379C>T on transcript NM_014804.3 (MANE Select); coding-DNA position 379, C replaced by T.
Protein change: p.Gln127Ter; replaces glutamine 127 with a stop codon.
Molecular consequence: nonsense. On other transcripts: 5 prime UTR variant (1), non-coding transcript variant (3).
Genome position (GRCh38, 1-based): chr17:6,628,456, G>A on the plus strand (C>T on the coding strand, the complement: KIAA0753 is on the minus strand). VCF-style: chr17-6628456-G-A. GRCh37 (hg19) VCF-style: chr17-6531776-G-A.
Other names: c.-856C>T (NM_001351225.2); short protein forms Q127*.
Identifiers: ClinVar variation 1920610 (VCV001920610.5), dbSNP rs773280909, ClinGen allele CA8330776.
Genomic context (GRCh38, chr17:6,628,456, plus strand): 5'-TCCTTTCCACCCTGTGGTCGGGTATTTTATACTTAGTATGTCCACACTTCTGAGAGCTTT[G>A]AGGCTGACTTCTGAGATGATGTTCTTTTATATGTTTTTCAAATTGTCTTCGTTTCACATC-3'

ClinVar aggregate classification (germline): Pathogenic (1 of 4 stars; one submission).

Allele frequency attached by ClinVar (database versions not stated): gnomAD 0.00001; gnomAD exomes 0.00001; ExAC 0.00002.

Submission:

Labcorp Genetics (formerly Invitae), Labcorp
Classification: Pathogenic. Last evaluated: 2024-10-24. Review status: criteria provided, single submitter. Criteria: Invitae Variant Classification Sherloc (09022015). Collection method: clinical testing. Allele origin: germline.
Comment: This sequence change creates a premature translational stop signal (p.Gln127*) in the KIAA0753 gene. It is expected to result in an absent or disrupted protein product. Loss-of-function variants in KIAA0753 are known to be pathogenic (PMID: 29138412). This variant is present in population databases (rs773280909, gnomAD 0.006%). This variant has not been reported in the literature in individuals affected with KIAA0753-related conditions. ClinVar contains an entry for this variant (Variation ID: 1920610). For these reasons, this variant has been classified as Pathogenic.

Literature cited by the submitters: PubMed 29138412.